The following is an entry in ClinVar:

NM_000517.6(HBA2):c.173G>A (p.Gly58Asp)

Genes: HBA2 (hemoglobin subunit alpha 2; plus strand), LOC106804612 (hemoglobin subunit alpha 2 recombination region; plus strand). Cytogenetic location: 16p13.3.
Variant type: single nucleotide variant.
Coding change: c.173G>A on transcript NM_000517.6 (MANE Select); coding-DNA position 173, G replaced by A.
Protein change: p.Gly58Asp; replaces glycine 58 with aspartic acid.
Molecular consequence: missense variant.
Genome position (GRCh38, 1-based): chr16:173,202, G>A. VCF-style: chr16-173202-G-A. GRCh37 (hg19) VCF-style: chr16-223201-G-A.
Other names: short protein forms G58D.
Identifiers: ClinVar variation 801171 (VCV000801171.4), dbSNP rs281864844, ClinGen allele CA276414722.
Genomic context (GRCh38, chr16:173,202, plus strand): 5'-CCACCACCAAGACCTACTTCCCGCACTTCGACCTGAGCCACGGCTCTGCCCAGGTTAAGG[G>A]CCACGGCAAGAAGGTGGCCGACGCGCTGACCAACGCCGTGGCGCACGTGGACGACATGCC-3'
Protein context (NP_000508.1, residues 48-68): DLSHGSAQVK[Gly58Asp]HGKKVADALT

ClinVar aggregate classification (germline): Conflicting classifications of pathogenicity. Review status: criteria provided, conflicting classifications (1 of 4 stars). 2 submissions from 2 submitters: Uncertain significance (1); Likely benign (1). Last evaluated 2024-10-16.

Allele frequency attached by ClinVar (database versions not stated): gnomAD exomes below 0.00001.

Submissions (2):

ARUP Laboratories, Molecular Genetics and Genomics, ARUP Laboratories
Classification: Likely benign. Last evaluated: 2024-10-16. Review status: criteria provided, single submitter. Criteria: ARUP Molecular Germline Variant Investigation Process 2024. Collection method: clinical testing. Allele origin: germline.
Comment: The Hb J-Norfolk variant (HBA2: c.173G>A; p.Gly58Asp, also known as Gly57Asp when numbered from the mature protein, and also known as Hb Kagoshima, Hb Nishik-I, Hb Nishik-II, Hb Nishik-III, rs281864844, HbVar ID:84, ClinVar Variation ID: 801171) is reported in the literature in multiple asymptomatic individuals in the heterozygous state (see HbVar link, Imamura 1966, Mehrotra 1975, Nair 2018). However, the phenotype of this variant in the presence of other alpha globin variants is unknown. This variant is absent from the Genome Aggregation Database (v2.1.1), indicating it is not a common polymorphism. Computational analyses are uncertain whether this variant is neutral or deleterious (REVEL: 0.571). Based on available information, this variant is considered to be likely benign. References: Link to HbVar database: Imamura T. Hemoglobin Kagoshima: an example of hemoglobin Norfolk in a Japanese family. Am J Hum Genet. 1966 Nov;18(6):584-93. PMID: 5927878. Mehrotra TN et al. Haemoglobin norfolk in nepali gorkhas. Humangenetik. 1975;27(4):347-9. PMID: 1150256. Nair SB et al. Hematological and Molecular Findings in the First Case of Hb J-Norfolk (HBA2: c.173G>A (or HBA1)) in an Indian Patient. Hemoglobin. 2018 Sep-Nov;42(5-6):333-335. PMID: 30646764.

Quest Diagnostics Nichols Institute San Juan Capistrano
Classification: Uncertain significance. Last evaluated: 2020-11-04. Review status: criteria provided, single submitter. Criteria: Quest Diagnostics criteria. Collection method: clinical testing. Allele origin: unknown.

Literature cited by the submitters: PubMed 5927878 (cited by Quest Diagnostics Nichols Institute San Juan Capistrano); PubMed 1150256 (cited by Quest Diagnostics Nichols Institute San Juan Capistrano); PubMed 30646764 (cited by Quest Diagnostics Nichols Institute San Juan Capistrano); PubMed 26635043 (cited by Quest Diagnostics Nichols Institute San Juan Capistrano); PubMed 32597250 (cited by Quest Diagnostics Nichols Institute San Juan Capistrano).